The following is an entry in ClinVar:

NM_033380.3(COL4A5):c.4529-325A>G

Gene: COL4A5 (collagen type IV alpha 5 chain; plus strand). Cytogenetic location: Xq22.3.
Variant type: single nucleotide variant.
Coding change: c.4529-325A>G on transcript NM_033380.3 (MANE Select); 325 bases into the intron before coding-DNA position 4529, A replaced by G.
Molecular consequence: intron variant.
Genome position (GRCh38, 1-based): chrX:108,692,423, A>G. VCF-style: chrX-108692423-A-G. GRCh37 (hg19) VCF-style: chrX-107935653-A-G.
Other names: c.4511-325A>G (NM_000495.5).
Identifiers: ClinVar variation 3894544 (VCV003894544.1).

ClinVar aggregate classification (germline): Uncertain significance (1 of 4 stars; one submission).

Conditions:
X-linked Alport syndrome (ATS1). Also called: NEPHROPATHY AND DEAFNESS, X-LINKED; COL4A5-Related Nephropathy. Identifiers: Orphanet 63, Orphanet 88917, MedGen C4746986, MONDO:0010520, OMIM 301050.

Submission:

MVZ Medizinische Genetik Mainz
Classification: Uncertain significance for X-linked Alport syndrome. Last evaluated: 2025-04-07. Review status: criteria provided, single submitter. Criteria: UK Practice Guidelines For Variant Classification V4 01 2020. Collection method: clinical testing. Allele origin: germline. Inheritance: X-linked dominant inheritance. Affected: yes. Observed: 1 variant allele.
Comment: ACMG Criteria: PM2_SUP,PP3,PP4